The following is an entry in ClinVar:

NM_052997.3(ANKRD30A):c.2486T>C (p.Ile829Thr)

Gene: ANKRD30A (ankyrin repeat domain 30A; plus strand). Cytogenetic location: 10p11.21.
Variant type: single nucleotide variant.
Coding change: c.2486T>C on transcript NM_052997.3 (MANE Select); coding-DNA position 2486, T replaced by C.
Protein change: p.Ile829Thr; replaces isoleucine 829 with threonine.
Molecular consequence: missense variant.
Genome position (GRCh38, 1-based): chr10:37,189,531, T>C. VCF-style: chr10-37189531-T-C. GRCh37 (hg19) VCF-style: chr10-37478459-T-C.
Other names: short protein forms I829T.
Identifiers: ClinVar variation 2640412 (VCV002640412.24), dbSNP rs200493214, ClinGen allele CA5471782.

ClinVar aggregate classification (germline): Likely benign (1 of 4 stars; one submission).

Allele frequency attached by ClinVar (database versions not stated): 1000 Genomes Project 30x 0.00047; 1000 Genomes Project 0.00120; ExAC 0.00965.

Submission:

CeGaT Center for Human Genetics Tuebingen
Classification: Likely benign. Last evaluated: 2023-03-01. Review status: criteria provided, single submitter. Criteria: CeGaT Center For Human Genetics Tuebingen Variant Classification Criteria Version 2. Collection method: clinical testing. Allele origin: germline. Affected: yes. Observed: 1 variant allele.
Comment: ANKRD30A: BS2